The following is an entry in ClinVar:

ClinVar aggregate classification (germline): Uncertain significance (1 of 4 stars; one submission).

Conditions:
Congenital muscular dystrophy due to integrin alpha-7 deficiency. Also called: MYOPATHY, CONGENITAL, DUE TO INTEGRIN ALPHA-7 DEFICIENCY; Congenital muscular dystrophy with integrin alpha-7 deficiency; Muscular dystrophy, congenital, due to ITGA7 deficiency. Identifiers: Orphanet 34520, MedGen C2750786, MONDO:0013177, OMIM 613204.

Submission:

Labcorp Genetics (formerly Invitae), Labcorp
Classification: Uncertain significance for Congenital muscular dystrophy due to integrin alpha-7 deficiency. Last evaluated: 2022-07-26. Review status: criteria provided, single submitter. Criteria: Invitae Variant Classification Sherloc (09022015). Collection method: clinical testing. Allele origin: germline.
Comment: This variant has not been reported in the literature in individuals affected with ITGA7-related conditions. In summary, the available evidence is currently insufficient to determine the role of this variant in disease. Therefore, it has been classified as a Variant of Uncertain Significance. Algorithms developed to predict the effect of missense changes on protein structure and function (SIFT, PolyPhen-2, Align-GVGD) all suggest that this variant is likely to be tolerated. This variant is not present in population databases (gnomAD no frequency). This sequence change replaces histidine, which is basic and polar, with tyrosine, which is neutral and polar, at codon 1079 of the ITGA7 protein (p.His1079Tyr).

NM_002206.3(ITGA7):c.3235C>T (p.His1079Tyr)

Gene: ITGA7 (integrin subunit alpha 7; minus strand). Cytogenetic location: 12q13.2.
Variant type: single nucleotide variant.
Coding change: c.3235C>T on transcript NM_002206.3 (MANE Select); coding-DNA position 3235, C replaced by T.
Protein change: p.His1079Tyr; replaces histidine 1079 with tyrosine.
Molecular consequence: missense variant.
Genome position (GRCh38, 1-based): chr12:55,685,237, G>A on the plus strand (C>T on the coding strand, the complement: ITGA7 is on the minus strand). VCF-style: chr12-55685237-G-A. GRCh37 (hg19) VCF-style: chr12-56079021-G-A.
Other names: c.3247C>T, p.His1083Tyr (NM_001144996.2); c.2956C>T, p.His986Tyr (NM_001144997.2); c.2908C>T, p.His970Tyr (NM_001367993.1); c.1891C>T, p.His631Tyr (NM_001367994.1); c.3217C>T, p.His1073Tyr (NM_001374465.1); c.3367C>T, p.His1123Tyr (NM_001410977.1); c.3229C>T, p.His1077Tyr (NM_001414029.1); c.3160C>T, p.His1054Tyr (NM_001414030.1); and 5 more; short protein forms H1050Y, H1073Y, H1018Y, H1039Y, H1079Y, H1083Y, H1123Y, H631Y.
Identifiers: ClinVar variation 2088617 (VCV002088617.4), dbSNP rs2539584509, ClinGen allele CA385180315.